The following is an entry in ClinVar:

NM_001130823.3(DNMT1):c.1613C>T (p.Ser538Leu)

Gene: DNMT1 (DNA methyltransferase 1; minus strand). Cytogenetic location: 19p13.2.
Variant type: single nucleotide variant.
Coding change: c.1613C>T on transcript NM_001130823.3 (MANE Select); coding-DNA position 1613, C replaced by T.
Protein change: p.Ser538Leu; replaces serine 538 with leucine.
Molecular consequence: missense variant.
Genome position (GRCh38, 1-based): chr19:10,154,936, G>A on the plus strand (C>T on the coding strand, the complement: DNMT1 is on the minus strand). VCF-style: chr19-10154936-G-A. GRCh37 (hg19) VCF-style: chr19-10265612-G-A.
Other names: c.1565C>T, p.Ser522Leu (NM_001318730.2, NM_001379.4); c.1250C>T, p.Ser417Leu (NM_001318731.2); short protein forms S417L, S522L, S538L.
Identifiers: ClinVar variation 1308336 (VCV001308336.6), dbSNP rs1037636262, ClinGen allele CA305172560.

ClinVar aggregate classification (germline): Uncertain significance. Review status: criteria provided, multiple submitters, no conflicts (2 of 4 stars). 2 submissions from 2 submitters: Uncertain significance (2). Last evaluated 2023-02-14.

Conditions:
Hereditary sensory neuropathy-deafness-dementia syndrome. Also called: Hereditary sensory neuropathy type IE; HSN IE; Hereditary Sensory and Autonomic Neuropathy Type 1E (HSAN1E); NEUROPATHY, HEREDITARY SENSORY, WITH HEARING LOSS AND DEMENTIA. Identifiers: Orphanet 456318, MedGen C3279885, MONDO:0013584, OMIM 614116.

Allele frequency attached by ClinVar (database versions not stated): gnomAD exomes 0.00001; gnomAD 0.00003; TOPMed 0.00003.
gnomAD v4.1: 15 of 1,614,084 alleles (0.00093%); highest among the groups gnomAD compares: African/African-American, 0.004%; no homozygotes.

Submissions (2):

Labcorp Genetics (formerly Invitae), Labcorp
Classification: Uncertain significance for Hereditary sensory neuropathy-deafness-dementia syndrome. Last evaluated: 2023-02-14. Review status: criteria provided, single submitter. Criteria: Invitae Variant Classification Sherloc (09022015). Collection method: clinical testing. Allele origin: germline.
Comment: This sequence change replaces serine, which is neutral and polar, with leucine, which is neutral and non-polar, at codon 538 of the DNMT1 protein (p.Ser538Leu). This variant is present in population databases (no rsID available, gnomAD 0.01%). In summary, the available evidence is currently insufficient to determine the role of this variant in disease. Therefore, it has been classified as a Variant of Uncertain Significance. Advanced modeling of protein sequence and biophysical properties (such as structural, functional, and spatial information, amino acid conservation, physicochemical variation, residue mobility, and thermodynamic stability) performed at Invitae indicates that this missense variant is not expected to disrupt DNMT1 protein function. ClinVar contains an entry for this variant (Variation ID: 1308336). This variant has not been reported in the literature in individuals affected with DNMT1-related conditions.

GeneDx
Classification: Uncertain significance. Last evaluated: 2022-10-10. Review status: criteria provided, single submitter. Criteria: GeneDx Variant Classification Process June 2021. Collection method: clinical testing. Allele origin: germline. Affected: yes.
Comment: In silico analysis supports that this missense variant does not alter protein structure/function; Has not been previously published as pathogenic or benign to our knowledge; This variant is associated with the following publications: (PMID: 25942534, 25678562, 23521649)